The following is an entry in ClinVar:

ClinVar aggregate classification (germline): Uncertain significance (1 of 4 stars; one submission).

Submission:

Labcorp Genetics (formerly Invitae), Labcorp
Classification: Uncertain significance. Last evaluated: 2024-06-10. Review status: criteria provided, single submitter. Criteria: Invitae Variant Classification Sherloc (09022015). Collection method: clinical testing. Allele origin: germline.
Comment: This sequence change replaces glutamic acid, which is acidic and polar, with alanine, which is neutral and non-polar, at codon 694 of the CTNNA1 protein (p.Glu694Ala). This variant is not present in population databases (gnomAD no frequency). This variant has not been reported in the literature in individuals affected with CTNNA1-related conditions. ClinVar contains an entry for this variant (Variation ID: 639406). Advanced modeling of protein sequence and biophysical properties (such as structural, functional, and spatial information, amino acid conservation, physicochemical variation, residue mobility, and thermodynamic stability) performed at Invitae indicates that this missense variant is not expected to disrupt CTNNA1 protein function with a negative predictive value of 80%. In summary, the available evidence is currently insufficient to determine the role of this variant in disease. Therefore, it has been classified as a Variant of Uncertain Significance.

NM_001903.5(CTNNA1):c.2081A>C (p.Glu694Ala)

Gene: CTNNA1 (catenin alpha 1; plus strand). Cytogenetic location: 5q31.2.
Variant type: single nucleotide variant.
Coding change: c.2081A>C on transcript NM_001903.5 (MANE Select); coding-DNA position 2081, A replaced by C.
Protein change: p.Glu694Ala; replaces glutamic acid 694 with alanine.
Molecular consequence: missense variant.
Genome position (GRCh38, 1-based): chr5:138,930,543, A>C. VCF-style: chr5-138930543-A-C. GRCh37 (hg19) VCF-style: chr5-138266232-A-C.
Other names: c.2081A>C, p.Glu694Ala (NM_001290307.3, NM_001323982.2, NM_001323983.1 and 2 more transcripts); c.1772A>C, p.Glu591Ala (NM_001290309.3); c.1712A>C, p.Glu571Ala (NM_001290310.3); c.971A>C, p.Glu324Ala (NM_001290312.1, NM_001323987.1, NM_001323988.1 and 17 more transcripts); c.1988A>C, p.Glu663Ala (NM_001323986.2); c.632A>C, p.Glu211Ala (NM_001324006.1, NM_001324007.1, NM_001324008.1 and 2 more transcripts); c.878A>C, p.Glu293Ala (NM_001324011.1); c.728A>C, p.Glu243Ala (NM_001324012.1, NM_001324013.1); short protein forms E663A, E243A, E324A, E591A, E211A, E293A, E571A, E694A.
Identifiers: ClinVar variation 639406 (VCV000639406.10), dbSNP rs1580908282, ClinGen allele CA361133457.
Genomic context (GRCh38, chr5:138,930,543, plus strand): 5'-CTCAGCTTCCCCAGGAGCAAAAAGCGAAGATTGCGGAACAGGTGGCCAGCTTCCAGGAAG[A>C]AAAGAGCAAGCTGGATGCTGAAGTGTCCAAATGGGACGACAGTGGCAATGACATCATTGT-3'
Protein context (NP_001894.2, residues 684-704): IAEQVASFQE[Glu694Ala]KSKLDAEVSK